The following is an entry in ClinVar:

NM_000053.4(ATP7B):c.3557-95A>G

Gene: ATP7B (ATPase copper transporting beta; minus strand). Cytogenetic location: 13q14.3.
Variant type: single nucleotide variant.
Coding change: c.3557-95A>G on transcript NM_000053.4 (MANE Select); 95 bases into the intron before coding-DNA position 3557, A replaced by G.
Molecular consequence: intron variant.
Genome position (GRCh38, 1-based): chr13:51,939,288, T>C on the plus strand (A>G on the coding strand, the complement: ATP7B is on the minus strand). VCF-style: chr13-51939288-T-C. GRCh37 (hg19) VCF-style: chr13-52513424-T-C.
Other names: c.3224-95A>G (NM_001243182.2); c.2936-95A>G (NM_001005918.3); c.3305-95A>G (NM_001330579.2); c.3323-95A>G (NM_001330578.2).
Identifiers: ClinVar variation 676196 (VCV000676196.2), dbSNP rs9526808, ClinGen allele CA13789256.

ClinVar aggregate classification (germline): Benign. Review status: criteria provided, multiple submitters, no conflicts (2 of 4 stars). 2 submissions from 2 submitters: Benign (2). Last evaluated 2018-06-16.

Allele frequency attached by ClinVar (database versions not stated): 1000 Genomes Project 0.02815; 1000 Genomes Project 30x 0.02873; TOPMed 0.05869; gnomAD 0.06272 and 0.06465; gnomAD exomes 0.08818.
gnomAD v4.1: 132,772 of 1,559,612 alleles (8.5%); highest among the groups gnomAD compares: Non-Finnish European, 10%; 6,738 homozygotes.

Submissions (2):

GeneDx
Classification: Benign. Last evaluated: 2018-06-16. Review status: criteria provided, single submitter. Criteria: GeneDx Variant Classification (06012015). Collection method: clinical testing. Allele origin: germline. Affected: yes.
Comment: This variant is considered likely benign or benign based on one or more of the following criteria: it is a conservative change, it occurs at a poorly conserved position in the protein, it is predicted to be benign by multiple in silico algorithms, and/or has population frequency not consistent with disease.

Breakthrough Genomics
Classification: Benign. Review status: criteria provided, single submitter. Criteria: ACMG Guidelines, 2015. Collection method: not provided. Allele origin: germline. Inheritance: Autosomal recessive inheritance. Affected: yes.